The following is an entry in ClinVar:

ClinVar aggregate classification (germline): Uncertain significance. Review status: criteria provided, multiple submitters, no conflicts (2 of 4 stars). 3 submissions from 3 submitters: Uncertain significance (3). Last evaluated 2024-09-21.

Conditions:
Inborn genetic diseases. Identifiers: MedGen C0950123, MeSH D030342.
Chronic infantile neurological, cutaneous and articular syndrome (CINCA). Also called: Prieur Griscelli syndrome; CINCA syndrome; CRYOPYRIN-ASSOCIATED PERIODIC SYNDROME 3; CHRONIC NEUROLOGIC CUTANEOUS AND ARTICULAR SYNDROME. Identifiers: Orphanet 1451, MedGen C0409818, MONDO:0011776, OMIM 607115.
Familial amyloid nephropathy with urticaria AND deafness (MWS). Also called: MUCKLE-WELLS SYNDROME; Urticaria, deafness and amyloidosis; UDA SYNDROME; URTICARIA-DEAFNESS-AMYLOIDOSIS SYNDROME; CRYOPYRIN-ASSOCIATED PERIODIC SYNDROME 2. Identifiers: Orphanet 575, MedGen C0268390, MONDO:0008633, OMIM 191900.
Keratitis fugax hereditaria. Also called: KERATOENDOTHELIITIS FUGAX HEREDITARIA. Identifiers: Orphanet 647815, MedGen C1835697, MONDO:0007849, OMIM 148200.
Familial cold autoinflammatory syndrome 1 (FCAS1). Also called: CRYOPYRIN-ASSOCIATED PERIODIC SYNDROME 1; Familial cold inflammatory syndrome 1. Identifiers: Orphanet 47045, MedGen C4551895, MONDO:0007349, OMIM 120100.
Hearing loss, autosomal dominant 34, with or without inflammation. Also called: DEAFNESS, AUTOSOMAL DOMINANT 34, WITH OR WITHOUT INFLAMMATION. Identifiers: MedGen C4521680, MONDO:0033261, OMIM 617772.
Cryopyrin associated periodic syndrome (CAPS). Identifiers: Orphanet 208650, MedGen C2316212, MONDO:0016168.

Allele frequency attached by ClinVar (database versions not stated): gnomAD exomes below 0.00001; ExAC 0.00001; gnomAD 0.00002.
gnomAD v4.1: 4 of 1,612,966 alleles (0.00025%); highest among the groups gnomAD compares: Admixed American, 0.0067%; no homozygotes.

Submissions (3):

Labcorp Genetics (formerly Invitae), Labcorp
Classification: Uncertain significance for Cryopyrin associated periodic syndrome. Last evaluated: 2024-09-21. Review status: criteria provided, single submitter. Criteria: Invitae Variant Classification Sherloc (09022015). Collection method: clinical testing. Allele origin: germline.
Comment: This sequence change replaces threonine, which is neutral and polar, with isoleucine, which is neutral and non-polar, at codon 1029 of the NLRP3 protein (p.Thr1029Ile). This variant is present in population databases (rs775502273, gnomAD 0.003%). This variant has not been reported in the literature in individuals affected with NLRP3-related conditions. ClinVar contains an entry for this variant (Variation ID: 1489473). Invitae Evidence Modeling of protein sequence and biophysical properties (such as structural, functional, and spatial information, amino acid conservation, physicochemical variation, residue mobility, and thermodynamic stability) indicates that this missense variant is not expected to disrupt NLRP3 protein function with a negative predictive value of 95%. In summary, the available evidence is currently insufficient to determine the role of this variant in disease. Therefore, it has been classified as a Variant of Uncertain Significance.

Fulgent Genetics
Classification: Uncertain significance for Familial cold autoinflammatory syndrome 1; Keratitis fugax hereditaria; Familial amyloid nephropathy with urticaria AND deafness; Chronic infantile neurological, cutaneous and articular syndrome; Hearing loss, autosomal dominant 34, with or without inflammation. Last evaluated: 2024-01-29. Review status: criteria provided, single submitter. Criteria: ACMG Guidelines, 2015. Collection method: clinical testing. Allele origin: germline.

Ambry Genetics
Classification: Uncertain significance for Inborn genetic diseases. Last evaluated: 2024-01-23. Review status: criteria provided, single submitter. Criteria: Ambry Variant Classification Scheme 2023. Collection method: clinical testing. Allele origin: germline.

NM_001243133.2(NLRP3):c.3080C>T (p.Thr1027Ile)

Gene: NLRP3 (NLR family pyrin domain containing 3; plus strand). Cytogenetic location: 1q44.
Variant type: single nucleotide variant.
Coding change: c.3080C>T on transcript NM_001243133.2 (MANE Select); coding-DNA position 3080, C replaced by T.
Protein change: p.Thr1027Ile; replaces threonine 1027 with isoleucine.
Molecular consequence: missense variant.
Genome position (GRCh38, 1-based): chr1:247,448,479, C>T. VCF-style: chr1-247448479-C-T. GRCh37 (hg19) VCF-style: chr1-247611781-C-T.
Other names: c.3080C>T, p.Thr1027Ile (NM_001079821.3); c.2909C>T, p.Thr970Ile (NM_001127461.3, NM_001127462.3); c.3086C>T, p.Thr1029Ile (NM_004895.5); c.2738C>T, p.Thr913Ile (NM_183395.3); c.3086C>T (NM_004895.4); short protein forms T1029I, T913I, T1027I, T970I.
Identifiers: ClinVar variation 1489473 (VCV001489473.8), dbSNP rs775502273, ClinGen allele CA1495437.